The following is an entry in ClinVar:

NM_000540.3(RYR1):c.8016G>C (p.Leu2672=)

Gene: RYR1 (ryanodine receptor 1; plus strand). Cytogenetic location: 19q13.2.
Variant type: single nucleotide variant.
Coding change: c.8016G>C on transcript NM_000540.3 (MANE Select); coding-DNA position 8016, G replaced by C.
Protein change: p.Leu2672=; no amino-acid change (leucine 2672 retained).
Molecular consequence: synonymous variant.
Genome position (GRCh38, 1-based): chr19:38,504,309, G>C. VCF-style: chr19-38504309-G-C. GRCh37 (hg19) VCF-style: chr19-38994949-G-C.
Other names: c.8016G>C, p.Leu2672= (NM_001042723.2).
Identifiers: ClinVar variation 3075281 (VCV003075281.2), dbSNP rs1451060659, ClinGen allele CA507244258.

ClinVar aggregate classification (germline): Likely benign. Review status: criteria provided, multiple submitters, no conflicts (2 of 4 stars). 2 submissions from 2 submitters: Likely benign (2). Last evaluated 2024-01-08.

Conditions:
Malignant hyperthermia, susceptibility to, 1 (MHS1). Also called: Anesthesia related hyperthermia; Malignant hyperpyrexia; Fulminating hyperpyrexia; Pharmacogenic myopathy; RYR1-Related Malignant Hyperthermia Susceptibility; Malignant hyperthermia suceptibility 1. Identifiers: Orphanet 423, MedGen C2930980, MONDO:0007783, OMIM 145600.

gnomAD v4.1: 2 of 1,614,170 alleles (0.00012%); highest among the groups gnomAD compares: Non-Finnish European, 0.00017%; no homozygotes.

Submissions (2):

All of Us Research Program, National Institutes of Health
Classification: Likely benign for Malignant hyperthermia, susceptibility to, 1. Last evaluated: 2024-01-08. Review status: criteria provided, single submitter. Criteria: ACMG Guidelines, 2015. Collection method: clinical testing. Allele origin: germline. Inheritance: Autosomal dominant inheritance. Observed: 1 variant allele, 1 heterozygote.
Comment: This study involves interpretation of variants in research participants for the purpose of population health screening. Participant phenotype was not available at the time of variant classification. Additional details can be found in publication PMID: 35346344, PMCID: PMC8962531

Color Diagnostics, LLC DBA Color Health
Classification: Likely benign for Malignant hyperthermia, susceptibility to, 1. Last evaluated: 2023-11-08. Review status: criteria provided, single submitter. Criteria: ACMG Guidelines, 2015. Collection method: clinical testing. Allele origin: germline.